The following is an entry in ClinVar:

ClinVar aggregate classification (germline): Uncertain significance. Review status: criteria provided, multiple submitters, no conflicts (2 of 4 stars). 3 submissions from 3 submitters: Uncertain significance (2). 1 of the submissions does not count toward it. Last evaluated 2023-10-01.

Conditions:
Retinitis pigmentosa 25 (RP25). Identifiers: Orphanet 791, MedGen C1864446, MONDO:0011272, OMIM 602772.
Retinal dystrophy. Also called: Inherited retinal dystrophy. Identifiers: Orphanet 71862, MedGen C0854723, MeSH D058499, MONDO:0019118, HP:0000556.

Allele frequency attached by ClinVar (database versions not stated): gnomAD exomes 0.00002.
gnomAD v4.1: 21 of 1,551,552 alleles (0.0014%); highest among the groups gnomAD compares: East Asian, 0.015%; no homozygotes.

Submissions (3):

Dept Of Ophthalmology, Nagoya University
Classification: Uncertain significance for Retinal dystrophy. Last evaluated: 2023-10-01. Review status: criteria provided, single submitter. Criteria: Submitter's publication. Collection method: research. Allele origin: germline. Affected: yes.

Labcorp Genetics (formerly Invitae), Labcorp
Classification: Uncertain significance. Last evaluated: 2021-08-31. Review status: criteria provided, single submitter. Criteria: Invitae Variant Classification Sherloc (09022015). Collection method: clinical testing. Allele origin: germline.
Comment: This sequence change replaces alanine with glycine at codon 2878 of the EYS protein (p.Ala2878Gly). The alanine residue is weakly conserved and there is a small physicochemical difference between alanine and glycine. This variant is not present in population databases (ExAC no frequency). This missense change has been observed in individual(s) with retinitis pigmentosa (PMID: 31814702). This variant is also known as p.Ala2899Gly. Algorithms developed to predict the effect of missense changes on protein structure and function (SIFT, PolyPhen-2, Align-GVGD) all suggest that this variant is likely to be tolerated. In summary, the available evidence is currently insufficient to determine the role of this variant in disease. Therefore, it has been classified as a Variant of Uncertain Significance.

Natera, Inc.
Classification: Uncertain significance for Retinitis pigmentosa type 25. Last evaluated: 2020-11-19. Review status: no assertion criteria provided. Collection method: clinical testing. Allele origin: germline. Not counted in ClinVar's aggregate classification.

Literature cited by the submitters: PubMed 31814702 (cited by Labcorp Genetics (formerly Invitae), Labcorp).

NM_001142800.2(EYS):c.8633C>G (p.Ala2878Gly)

Genes: EYS (eyes shut homolog; minus strand), PHF3 (PHD finger protein 3; plus strand). Cytogenetic location: 6q12.
Variant type: single nucleotide variant.
Coding change: c.8633C>G on transcript NM_001142800.2 (MANE Select); coding-DNA position 8633, C replaced by G.
Protein change: p.Ala2878Gly; replaces alanine 2878 with glycine.
Molecular consequence: missense variant. On other transcripts: 3 prime UTR variant (5).
Genome position (GRCh38, 1-based): chr6:63,721,398, G>C on the plus strand (C>G on the coding strand, the complement: EYS is on the minus strand). VCF-style: chr6-63721398-G-C. GRCh37 (hg19) VCF-style: chr6-64431294-G-C.
Other names: c.*7690G>C (NM_001290259.2, NM_001370348.2, NM_001370349.2 and 2 more transcripts); c.8696C>G, p.Ala2899Gly (NM_001292009.2); short protein forms A2878G, A2899G.
Identifiers: ClinVar variation 1010517 (VCV001010517.7), dbSNP rs1409480033, ClinGen allele CA364384324.